The following is an entry in ClinVar:

ClinVar aggregate classification (germline): Uncertain significance (1 of 4 stars; one submission).

Conditions:
Dilated Cardiomyopathy, Recessive.

Allele frequency attached by ClinVar (database versions not stated): gnomAD exomes 0.00002 and 0.00004; ExAC 0.00004; TOPMed 0.00012; gnomAD 0.00014 and 0.00017; 1000 Genomes Project 30x 0.00016; 1000 Genomes Project 0.00020; ESP Exome Variant Server 0.00032.
gnomAD v4.1: 57 of 1,612,974 alleles (0.0035%); highest among the groups gnomAD compares: African/African-American, 0.055%; no homozygotes.

Submission:

Labcorp Genetics (formerly Invitae), Labcorp
Classification: Uncertain significance. Last evaluated: 2024-08-15. Review status: criteria provided, single submitter. Criteria: Invitae Variant Classification Sherloc (09022015). Collection method: clinical testing. Allele origin: germline.
Comment: This sequence change replaces phenylalanine, which is neutral and non-polar, with leucine, which is neutral and non-polar, at codon 991 of the PLEKHM2 protein (p.Phe991Leu). This variant is present in population databases (rs201091991, gnomAD 0.05%). This variant has not been reported in the literature in individuals affected with PLEKHM2-related conditions. ClinVar contains an entry for this variant (Variation ID: 544340). An algorithm developed to predict the effect of missense changes on protein structure and function (PolyPhen-2) suggests that this variant¬†is likely to be tolerated. In summary, the available evidence is currently insufficient to determine the role of this variant in disease. Therefore, it has been classified as a Variant of Uncertain Significance.

NM_015164.4(PLEKHM2):c.2971T>C (p.Phe991Leu)

Gene: PLEKHM2 (pleckstrin homology and RUN domain containing M2; plus strand). Cytogenetic location: 1p36.21.
Variant type: single nucleotide variant.
Coding change: c.2971T>C on transcript NM_015164.4 (MANE Select); coding-DNA position 2971, T replaced by C.
Protein change: p.Phe991Leu; replaces phenylalanine 991 with leucine.
Molecular consequence: missense variant.
Genome position (GRCh38, 1-based): chr1:15,733,845, T>C. VCF-style: chr1-15733845-T-C. GRCh37 (hg19) VCF-style: chr1-16060340-T-C.
Other names: short protein forms F991L.
Identifiers: ClinVar variation 544340 (VCV000544340.8), dbSNP rs201091991, ClinGen allele CA617417.